The following is an entry in ClinVar:

NM_138694.4(PKHD1):c.2492C>T (p.Ala831Val)

Gene: PKHD1 (PKHD1 ciliary IPT domain containing fibrocystin/polyductin; minus strand). Cytogenetic location: 6p12.2.
Variant type: single nucleotide variant.
Coding change: c.2492C>T on transcript NM_138694.4 (MANE Select); coding-DNA position 2492, C replaced by T.
Protein change: p.Ala831Val; replaces alanine 831 with valine.
Molecular consequence: missense variant.
Genome position (GRCh38, 1-based): chr6:52,046,104, G>A on the plus strand (C>T on the coding strand, the complement: PKHD1 is on the minus strand). VCF-style: chr6-52046104-G-A. GRCh37 (hg19) VCF-style: chr6-51910902-G-A.
Other names: c.2492C>T, p.Ala831Val (NM_170724.3); short protein forms A831V.
Identifiers: ClinVar variation 4985074 (VCV004985074.1).

ClinVar aggregate classification (germline): Uncertain significance (1 of 4 stars; one submission).

Conditions:
PKHD1-related disorder. Also called: PKHD1-related condition.

gnomAD v4.1: 2 of 1,612,628 alleles (0.00012%); highest among the groups gnomAD compares: Admixed American, 0.0017%; no homozygotes.

Submission:

PreventionGenetics, part of Exact Sciences
Classification: Uncertain significance for PKHD1-related condition. Last evaluated: 2026-09-04. Review status: criteria provided, single submitter. Criteria: ACMG Guidelines, 2015. Collection method: clinical testing. Allele origin: germline.
Comment: The PKHD1 c.2492C>T variant is predicted to result in the amino acid substitution p.Ala831Val. To our knowledge, this variant has not been reported in the literature or in a large population database (gnomAD), indicating this variant is rare. At this time, the clinical significance of this variant is uncertain due to the absence of conclusive functional and genetic evidence.